The following is an entry in ClinVar:

ClinVar aggregate classification (germline): Uncertain significance. Review status: criteria provided, multiple submitters, no conflicts (2 of 4 stars). 3 submissions from 3 submitters: Uncertain significance (2). 1 of the submissions does not count toward it. Last evaluated 2021-04-13.

Allele frequency attached by ClinVar (database versions not stated): gnomAD exomes 0.00001.
gnomAD v4.1: 7 of 1,613,906 alleles (0.00043%); highest among the groups gnomAD compares: Non-Finnish European, 0.00059%; no homozygotes.

Submissions (3):

ARUP Laboratories, Molecular Genetics and Genomics, ARUP Laboratories
Classification: Uncertain significance. Last evaluated: 2021-04-13. Review status: criteria provided, single submitter. Criteria: ARUP Molecular Germline Variant Investigation Process 2021. Collection method: clinical testing. Allele origin: germline.
Comment: The VWF c.4133C>T; p.Ser1378Phe variant (rs61750073) is reported in the literature in a compound heterozygous state in individual affected with VWF type 1 (Goodeve 2007), and in a heterozygous state in an individual affected with VWF type 2M (Veyradier 2016). This variant is reported in ClinVar (Variation ID: 100332). This variant is absent from general population databases (Exome Variant Server, Genome Aggregation Database), indicating it is not a common polymorphism. The serine at codon 1378 is moderately conserved, and computational analyses predict that this variant is deleterious (REVEL: 0.724). However, given the lack of clinical and functional data, the significance of the variant p.Ser1378Phe is uncertain at this time. References: Goodeve A et al. Phenotype and genotype of a cohort of families historically diagnosed with type 1 von Willebrand disease in the European study, Molecular and Clinical Markers for the Diagnosis and Management of Type 1 von Willebrand Disease (MCMDM-1VWD). Blood. 2007 Jan 1;109(1):112-21 Veyradier A et al. A Laboratory Phenotype/Genotype Correlation of 1167 French Patients From 670 Families With von Willebrand Disease: A New Epidemiologic Picture. Medicine (Baltimore). 2016 Mar;95(11):e3038.

Blueprint Genetics
Classification: Uncertain significance. Last evaluated: 2018-01-15. Review status: criteria provided, single submitter. Criteria: ACMG Guidelines, 2015. Collection method: clinical testing. Allele origin: germline.

Academic Unit of Haematology, University of Sheffield
No classification provided. Review status: no classification provided. Collection method: not provided. Allele origin: not provided. Not counted in ClinVar's aggregate classification.

NM_000552.5(VWF):c.4133C>T (p.Ser1378Phe)

Gene: VWF (von Willebrand factor; minus strand). Cytogenetic location: 12p13.31.
Variant type: single nucleotide variant.
Coding change: c.4133C>T on transcript NM_000552.5 (MANE Select); coding-DNA position 4133, C replaced by T.
Protein change: p.Ser1378Phe; replaces serine 1378 with phenylalanine.
Molecular consequence: missense variant.
Genome position (GRCh38, 1-based): chr12:6,019,285, G>A on the plus strand (C>T on the coding strand, the complement: VWF is on the minus strand). VCF-style: chr12-6019285-G-A. GRCh37 (hg19) VCF-style: chr12-6128451-G-A.
Other names: short protein forms S1378F.
Identifiers: ClinVar variation 100332 (VCV000100332.9), dbSNP rs61750073, ClinGen allele CA228545.